The following is an entry in ClinVar:

ClinVar aggregate classification (germline): Benign/Likely benign. Review status: criteria provided, multiple submitters, no conflicts (2 of 4 stars). 3 submissions from 3 submitters: Benign (1); Likely benign (2). Last evaluated 2026-06-25.

Conditions:
Hereditary cancer-predisposing syndrome. Also called: Neoplastic Syndromes, Hereditary; Tumor predisposition; Hereditary Cancer Syndrome; Hereditary neoplastic syndrome. Identifiers: Orphanet 140162, MedGen C0027672, MeSH D009386, MONDO:0015356.
Retinoblastoma (RB1). Also called: RETINOBLASTOMA, SOMATIC. Identifiers: Orphanet 790, MedGen C0035335, MeSH D012175, MONDO:0008380, OMIM 180200, HP:0009919. Disease mechanism: loss of function. Inheritance: Both sporadic and heritable forms are tested..

Allele frequency attached by ClinVar (database versions not stated): gnomAD exomes below 0.00001; TOPMed below 0.00001.

Submissions (3):

Myriad Genetics, Inc.
Classification: Benign for Retinoblastoma. Last evaluated: 2026-06-25. Review status: criteria provided, single submitter. Criteria: Myriad Autosomal Dominant, Autosomal Recessive and X-Linked Classification Criteria (2023). Collection method: clinical testing. Allele origin: unknown.
Comment: This variant is considered benign. This variant is a silent/synonymous amino acid change and it is not expected to impact splicing.

Ambry Genetics
Classification: Likely benign for Hereditary cancer-predisposing syndrome. Last evaluated: 2025-08-09. Review status: criteria provided, single submitter. Criteria: Ambry Variant Classification Scheme 2023. Collection method: clinical testing. Allele origin: germline.

Labcorp Genetics (formerly Invitae), Labcorp
Classification: Likely benign for Retinoblastoma. Last evaluated: 2024-10-20. Review status: criteria provided, single submitter. Criteria: Invitae Variant Classification Sherloc (09022015). Collection method: clinical testing. Allele origin: germline.

NM_000321.3(RB1):c.2235A>G (p.Lys745=)

Gene: RB1 (RB transcriptional corepressor 1; plus strand). Cytogenetic location: 13q14.2.
Variant type: single nucleotide variant.
Coding change: c.2235A>G on transcript NM_000321.3 (MANE Select); coding-DNA position 2235, A replaced by G.
Protein change: p.Lys745=; no amino-acid change (lysine 745 retained).
Molecular consequence: synonymous variant.
Genome position (GRCh38, 1-based): chr13:48,465,021, A>G. VCF-style: chr13-48465021-A-G. GRCh37 (hg19) VCF-style: chr13-49039157-A-G.
Other names: c.2235A>G (NM_000321.2).
Identifiers: ClinVar variation 1515821 (VCV001515821.10), dbSNP rs1949430328, ClinGen allele CA483740075.